The following is an entry in ClinVar:

ClinVar aggregate classification (germline): not provided (0 of 4 stars; one submission).

Conditions:
Normal pregnancy. Identifiers: MedGen C0232989.

Submission:

Institute of Molecular and Cell Biology, University of Tartu
No classification provided. Condition: Normal pregnancy. Review status: no classification provided. Collection method: case-control. Allele origin: unknown. Affected: yes. Study: Kasak2014.
Comment: The study aimed to determine the contribution of copy number variants in the genetic etiology of normal and complicated pregnancies. The samples represented (i) maternal blood DNA drawn from healthy pregnant women during 1st or 2nd trimester and (ii) maternal and paternal blood DNA drawn at term pregnancy cases representing normal and complicated gestations (severe preeclampsia, PE; gestational diabetes, GD; small-for-gestational age newborn, SGA; large-for-gestational age newborn, LGA). We performed CNV calling based on genome-wide genotyping dataset (Illumina HumanOmniExpress-24-v1 BeadChip) by applying three algorithms, QuantiSNP, GADA (Genome Alteration Detection Algorithm) and CNstream in parallel. The acquired CNV calls were merged with HD-CNV (Hotspot Detector for Copy Number Variants) program and only the CNVs predicted by at least two programs, were considered in subsequent analysis.

Literature cited by the submitters: PubMed 25666259.

NC_000003.11:g.75428675_75469493del

Variant type: Deletion.
Identifiers: ClinVar variation 156870 (VCV000156870.2).